The following is an entry in ClinVar:

NM_198904.4(GABRG2):c.1271G>T (p.Ser424Ile)

Gene: GABRG2 (gamma-aminobutyric acid type A receptor subunit gamma2; plus strand). Cytogenetic location: 5q34.
Variant type: single nucleotide variant.
Coding change: c.1271G>T on transcript NM_198904.4 (MANE Select); coding-DNA position 1271, G replaced by T.
Protein change: p.Ser424Ile; replaces serine 424 with isoleucine.
Molecular consequence: missense variant. On other transcripts: 3 prime UTR variant (1).
Genome position (GRCh38, 1-based): chr5:162,153,211, G>T. VCF-style: chr5-162153211-G-T. GRCh37 (hg19) VCF-style: chr5-161580217-G-T.
Other names: c.1367G>T, p.Ser456Ile (NM_001375343.1); c.1310G>T, p.Ser437Ile (NM_001375344.1); c.1181G>T, p.Ser394Ile (NM_001375345.1); c.1205G>T, p.Ser402Ile (NM_001375346.1); c.1184G>T, p.Ser395Ile (NM_001375347.1); c.827G>T, p.Ser276Ile (NM_001375348.1); c.962G>T, p.Ser321Ile (NM_001375349.1); c.851G>T, p.Ser284Ile (NM_001375350.1); and 6 more; short protein forms S284I, S437I, S464I, S321I, S395I, S402I, S416I, S423I.
Identifiers: ClinVar variation 2087262 (VCV002087262.7), dbSNP rs369200303, ClinGen allele CA362183607.

ClinVar aggregate classification (germline): Uncertain significance. Review status: criteria provided, multiple submitters, no conflicts (2 of 4 stars). 3 submissions from 3 submitters: Uncertain significance (3). Last evaluated 2025-05-04.

Conditions:
Inborn genetic diseases. Identifiers: MedGen C0950123, MeSH D030342.
EPILEPSY, CHILDHOOD ABSENCE, SUSCEPTIBILITY TO, 2 (ECA2). Identifiers: Orphanet 64280, MedGen C1843244, OMIM 607681.
Febrile seizures, familial, 8 (FEB8). Also called: CONVULSIONS, FAMILIAL FEBRILE, 8. Identifiers: Orphanet 36387, MedGen C1969810, MONDO:0011891, OMIM 607681.

Submissions (3):

Ambry Genetics
Classification: Uncertain significance for Inborn genetic diseases. Last evaluated: 2025-05-04. Review status: criteria provided, single submitter. Criteria: Ambry Variant Classification Scheme 2023. Collection method: clinical testing. Allele origin: germline.

Labcorp Genetics (formerly Invitae), Labcorp
Classification: Uncertain significance for Febrile seizures, familial, 8; EPILEPSY, CHILDHOOD ABSENCE, SUSCEPTIBILITY TO, 2. Last evaluated: 2024-10-25. Review status: criteria provided, single submitter. Criteria: Invitae Variant Classification Sherloc (09022015). Collection method: clinical testing. Allele origin: germline.
Comment: This sequence change replaces serine, which is neutral and polar, with isoleucine, which is neutral and non-polar, at codon 416 of the GABRG2 protein (p.Ser416Ile). This variant is not present in population databases (gnomAD no frequency). This variant has not been reported in the literature in individuals affected with GABRG2-related conditions. ClinVar contains an entry for this variant (Variation ID: 2087262). Invitae Evidence Modeling of protein sequence and biophysical properties (such as structural, functional, and spatial information, amino acid conservation, physicochemical variation, residue mobility, and thermodynamic stability) has been performed for this missense variant. However, the output from this modeling did not meet the statistical confidence thresholds required to predict the impact of this variant on GABRG2 protein function. In summary, the available evidence is currently insufficient to determine the role of this variant in disease. Therefore, it has been classified as a Variant of Uncertain Significance.

GeneDx
Classification: Uncertain significance. Last evaluated: 2024-02-23. Review status: criteria provided, single submitter. Criteria: GeneDx Variant Classification Process June 2021. Collection method: clinical testing. Allele origin: germline.
Comment: Not observed at significant frequency in large population cohorts (gnomAD); In silico analysis supports that this missense variant has a deleterious effect on protein structure/function; Has not been previously published as pathogenic or benign to our knowledge